The following is an entry in ClinVar:

NM_002519.3(NPAT):c.3362A>G (p.Lys1121Arg)

Gene: NPAT (nuclear protein, coactivator of histone transcription; minus strand). Cytogenetic location: 11q22.3.
Variant type: single nucleotide variant.
Coding change: c.3362A>G on transcript NM_002519.3 (MANE Select); coding-DNA position 3362, A replaced by G.
Protein change: p.Lys1121Arg; replaces lysine 1121 with arginine.
Molecular consequence: missense variant.
Genome position (GRCh38, 1-based): chr11:108,161,724, T>C on the plus strand (A>G on the coding strand, the complement: NPAT is on the minus strand). VCF-style: chr11-108161724-T-C. GRCh37 (hg19) VCF-style: chr11-108032451-T-C.
Other names: c.3383A>G, p.Lys1128Arg (NM_001321307.1); short protein forms K1121R, K1128R.
Identifiers: ClinVar variation 1730623 (VCV001730623.2), dbSNP rs2496696324, ClinGen allele CA382510972.

ClinVar aggregate classification (germline): Uncertain significance (1 of 4 stars; one submission).

Submission:

Ambry Genetics
Classification: Uncertain significance. Last evaluated: 2022-09-16. Review status: criteria provided, single submitter. Criteria: Ambry Variant Classification Scheme 2023. Collection method: clinical testing. Allele origin: germline.
Comment: The p.K1121R variant (also known as c.3362A>G), located in coding exon 17 of the NPAT gene, results from an A to G substitution at nucleotide position 3362. The lysine at codon 1121 is replaced by arginine, an amino acid with highly similar properties. This amino acid position is conserved. In addition, this alteration is predicted to be tolerated by in silico analysis. Since supporting evidence is limited at this time, the clinical significance of this alteration remains unclear.